The following is an entry in ClinVar:

ClinVar aggregate classification (germline): Likely pathogenic. Review status: criteria provided, multiple submitters, no conflicts (2 of 4 stars). 5 submissions from 5 submitters: Likely pathogenic (4). 1 of the submissions does not count toward it. Last evaluated 2025-10-17.

Conditions:
Cardiovascular phenotype. Identifiers: MedGen CN230736.
ACVRL1-related disorder. Also called: ACVRL1-related condition; ACVRL1-related disorders.
Telangiectasia, hereditary hemorrhagic, type 2 (HHT2). Also called: ACVRL1-Related Hereditary Hemorrhagic Telangiectasia; Telangiectasia, hereditary hemorrhagic, type II. Identifiers: Orphanet 774, MedGen C1838163, MONDO:0010880, OMIM 600376. Disease mechanism: loss of function.

Submissions (5):

GeneDx
Classification: Likely pathogenic. Last evaluated: 2025-10-17. Review status: criteria provided, single submitter. Criteria: GeneDx Variant Classification Process June 2021. Collection method: clinical testing. Allele origin: germline. Affected: yes.
Comment: Identified in individuals with HHT referred for genetic testing at GeneDx and in published literature; these individuals also harbor a second ACVRL1 variant, p.(E281X), though it is unknown if they are present on the same allele or opposite alleles (PMID: 20414677); Not observed at significant frequency in large population cohorts (gnomAD); Canonical splice site variant predicted to result in a null allele in a gene for which loss of function is a known mechanism of disease; This variant is associated with the following publications: (PMID: 20414677)

Labcorp Genetics (formerly Invitae), Labcorp
Classification: Likely pathogenic for Telangiectasia, hereditary hemorrhagic, type 2. Last evaluated: 2025-04-10. Review status: criteria provided, single submitter. Criteria: Invitae Variant Classification Sherloc (09022015). Collection method: clinical testing. Allele origin: germline.
Comment: This sequence change affects an acceptor splice site in intron 7 of the ACVRL1 gene. It is expected to disrupt RNA splicing. Variants that disrupt the donor or acceptor splice site typically lead to a loss of protein function (PMID: 16199547), and loss-of-function variants in ACVRL1 are known to be pathogenic (PMID: 15879500). This variant is not present in population databases (gnomAD no frequency). Disruption of this splice site has been observed in individual(s) with hereditary hemorrhagic telangiectasia (PMID: 20414677; internal data database, internal datadatabase). ClinVar contains an entry for this variant (Variation ID: 411308). Algorithms developed to predict the effect of sequence changes on RNA splicing suggest that this variant may disrupt the consensus splice site. In summary, the currently available evidence indicates that the variant is pathogenic, but additional data are needed to prove that conclusively. Therefore, this variant has been classified as Likely Pathogenic.

Ambry Genetics
Classification: Likely pathogenic for Cardiovascular phenotype. Last evaluated: 2024-08-30. Review status: criteria provided, single submitter. Criteria: Ambry Variant Classification Scheme 2023. Collection method: clinical testing. Allele origin: germline.
Comment: The c.1049-1G>A intronic variant results from a G to A substitution one nucleotide before coding exon 7 of the ACVRL1 gene. Alterations that disrupt the canonical splice site are expected to result in aberrant splicing. In silico splice site analysis predicts that this alteration will weaken the native splice acceptor site. The resulting transcript is predicted to be in-frame and is not expected to trigger nonsense-mediated mRNAdecay; however, direct evidence is unavailable. The exact functional effect of the altered amino acid sequence is unknown; however, the impacted region is critical for protein function (Ambry internal data). This variant has been detected in an individual with hereditary hemorrhagic telangiectasia (HHT), and co-occurred with ACVRL1 p.E281* in an individual with HHT (Richards-Yutz J et al. Hum Genet, 2010 Jul;128:61-77; Ambry internal data). This variant is considered to be rare based on population cohorts in the Genome Aggregation Database (gnomAD). This nucleotide position is highly conserved in available vertebrate species. Based on the majority of available evidence to date, this variant is likely to be pathogenic.

Department of Human Genetics, Hannover Medical School
Classification: Likely pathogenic for Telangiectasia, hereditary hemorrhagic, type 2. Last evaluated: 2024-05-21. Review status: criteria provided, single submitter. Criteria: ACMG Guidelines, 2015. Collection method: clinical testing. Allele origin: germline. Affected: yes.

PreventionGenetics, part of Exact Sciences
Classification: Pathogenic for ACVRL1-related condition. Last evaluated: 2024-05-02. Review status: no assertion criteria provided. Collection method: clinical testing. Allele origin: germline. Not counted in ClinVar's aggregate classification.
Comment: The ACVRL1 c.1049-1G>A variant is predicted to disrupt the AG splice acceptor site and interfere with normal splicing. This variant, along with the ACVRL1 c.841G>T (p.Glu281*) variant, was reported in an individual with hereditary hemorrhagic telangiectasia (Richards-Yutz et al. 2010. PubMed ID: 20414677). It was suggested that the c.841G>T and c.1049-1G>A variants were likely on the same allele; however, no additional studies were conducted to determine phase. This variant has not been reported in a large population database, indicating this variant is rare. Variants that disrupt the consensus splice acceptor site in ACVRL1 are expected to be pathogenic. This variant is interpreted as pathogenic.

Literature cited by the submitters: PubMed 16199547 (cited by Labcorp Genetics (formerly Invitae), Labcorp); PubMed 15879500 (cited by Labcorp Genetics (formerly Invitae), Labcorp); PubMed 20414677 (cited by Labcorp Genetics (formerly Invitae), Labcorp and Ambry Genetics).

NM_000020.3(ACVRL1):c.1049-1G>A

Gene: ACVRL1 (activin A receptor like type 1; plus strand). Cytogenetic location: 12q13.13.
Variant type: single nucleotide variant.
Coding change: c.1049-1G>A on transcript NM_000020.3 (MANE Select); the canonical splice acceptor site of the intron before coding-DNA position 1049, G replaced by A.
Molecular consequence: splice acceptor variant. On other transcripts: intron variant (1).
Genome position (GRCh38, 1-based): chr12:51,916,035, G>A. VCF-style: chr12-51916035-G-A. GRCh37 (hg19) VCF-style: chr12-52309819-G-A.
Other names: c.1049-1G>A (NM_001406487.1, NM_001406488.1, NM_001077401.2 and 1 more transcripts); c.737-1G>A (NM_001406491.1, NM_001406490.1, NM_001406492.1 and 1 more transcripts); c.736+535G>A (NM_001406494.1); c.485-1G>A (NM_001406495.1).
Identifiers: ClinVar variation 411308 (VCV000411308.15), dbSNP rs1060503242, ClinGen allele CA16614167.
Genomic context (GRCh38, chr12:51,916,035, plus strand): 5'-GCCTGCCCCCTGGATCCCAGGTTTGGGAGAGGGGCAGGAGTGACAGGCCTCACCCCCACA[G>A]GCCTGGCTGTGATGCACTCACAGGGCAGCGATTACCTGGACATCGGCAACAACCCGAGAG-3'